The following is an entry in ClinVar:

ClinVar aggregate classification (germline): Uncertain significance. Review status: criteria provided, multiple submitters, no conflicts (2 of 4 stars). 2 submissions from 2 submitters: Uncertain significance (2). Last evaluated 2023-12-04.

Conditions:
Hereditary cancer-predisposing syndrome. Also called: Neoplastic Syndromes, Hereditary; Tumor predisposition; Hereditary Cancer Syndrome; Hereditary neoplastic syndrome. Identifiers: Orphanet 140162, MedGen C0027672, MeSH D009386, MONDO:0015356.

Submissions (2):

Color Diagnostics, LLC DBA Color Health
Classification: Uncertain significance for Hereditary cancer-predisposing syndrome. Last evaluated: 2023-12-04. Review status: criteria provided, single submitter. Criteria: ACMG Guidelines, 2015. Collection method: clinical testing. Allele origin: germline.
Comment: This missense variant replaces aspartic acid with histidine at codon 1498 of the APC protein. Computational prediction suggests that this variant may not impact protein structure and function (internally defined REVEL score threshold <= 0.5, PMID: 27666373). To our knowledge, functional studies have not been reported for this variant. This variant has not been reported in individuals affected with APC-related disorders in the literature. This variant has not been identified in the general population by the Genome Aggregation Database (gnomAD). The available evidence is insufficient to determine the role of this variant in disease conclusively. Therefore, this variant is classified as a Variant of Uncertain Significance.

Ambry Genetics
Classification: Uncertain significance for Hereditary cancer-predisposing syndrome. Last evaluated: 2022-11-15. Review status: criteria provided, single submitter. Criteria: Ambry Variant Classification Scheme 2023. Collection method: clinical testing. Allele origin: germline.
Comment: The p.D1498H variant (also known as c.4492G>C), located in coding exon 15 of the APC gene, results from a G to C substitution at nucleotide position 4492. The aspartic acid at codon 1498 is replaced by histidine, an amino acid with similar properties. This amino acid position is conserved. In addition, in silico predictors for this gene do not accurately predict pathogenicity. Since supporting evidence is limited at this time, the clinical significance of this alteration remains unclear.

NM_000038.6(APC):c.4492G>C (p.Asp1498His)

Gene: APC (APC regulator of Wnt signaling pathway; plus strand). Cytogenetic location: 5q22.2.
Variant type: single nucleotide variant.
Coding change: c.4492G>C on transcript NM_000038.6 (MANE Select); coding-DNA position 4492, G replaced by C.
Protein change: p.Asp1498His; replaces aspartic acid 1498 with histidine.
Molecular consequence: missense variant.
Genome position (GRCh38, 1-based): chr5:112,840,086, G>C. VCF-style: chr5-112840086-G-C. GRCh37 (hg19) VCF-style: chr5-112175783-G-C.
Other names: c.4492G>C, p.Asp1498His (NM_001127510.3, NM_001354895.2); c.4438G>C, p.Asp1480His (NM_001127511.3); c.4546G>C, p.Asp1516His (NM_001354896.2); c.4522G>C, p.Asp1508His (NM_001354897.2); c.4417G>C, p.Asp1473His (NM_001354898.2); c.4408G>C, p.Asp1470His (NM_001354899.2); c.4369G>C, p.Asp1457His (NM_001354900.2); c.4315G>C, p.Asp1439His (NM_001354901.2); and 5 more; short protein forms D1215H, D1338H, D1372H, D1397H, D1470H, D1508H, D1407H, D1516H.
Identifiers: ClinVar variation 921770 (VCV000921770.6), dbSNP rs1060503298, ClinGen allele CA16031163.
Genomic context (GRCh38, chr5:112,840,086, plus strand): 5'-AGGGTCCAGGTTCTTCCAGATGCTGATACTTTATTACATTTTGCCACGGAAAGTACTCCA[G>C]ATGGATTTTCTTGTTCATCCAGCCTGAGTGCTCTGAGCCTCGATGAGCCATTTATACAGA-3'
Protein context (NP_000029.2, residues 1488-1508): LLHFATESTP[Asp1498His]GFSCSSSLSA